The following is an entry in ClinVar:

NM_016034.5(MRPS2):c.89C>A (p.Thr30Asn)

Gene: MRPS2 (mitochondrial ribosomal protein S2; plus strand). Cytogenetic location: 9q34.3.
Variant type: single nucleotide variant.
Coding change: c.89C>A on transcript NM_016034.5 (MANE Select); coding-DNA position 89, C replaced by A.
Protein change: p.Thr30Asn; replaces threonine 30 with asparagine.
Molecular consequence: missense variant. On other transcripts: non-coding transcript variant (4).
Genome position (GRCh38, 1-based): chr9:135,501,043, C>A. VCF-style: chr9-135501043-C-A. GRCh37 (hg19) VCF-style: chr9-138392889-C-A.
Other names: p.Thr30Asn; c.89C>A (NM_016034.4); c.89C>A, p.Thr30Asn (NM_001371401.1); short protein forms T30N.
Identifiers: ClinVar variation 1601052 (VCV001601052.12), dbSNP rs140165953, ClinGen allele CA5323801.

ClinVar aggregate classification (germline): Benign. Review status: criteria provided, multiple submitters, no conflicts (2 of 4 stars). 4 submissions from 4 submitters: Benign (3). 1 of the submissions does not count toward it. Last evaluated 2026-01-27.

Conditions:
MRPS2-related disorder. Also called: MRPS2-related condition.

Allele frequency attached by ClinVar (database versions not stated): ESP Exome Variant Server 0.00824; 1000 Genomes Project 0.00699; 1000 Genomes Project 30x 0.00750.

Submissions (4):

Labcorp Genetics (formerly Invitae), Labcorp
Classification: Benign. Last evaluated: 2026-01-27. Review status: criteria provided, single submitter. Criteria: Invitae Variant Classification Sherloc (09022015). Collection method: clinical testing. Allele origin: germline.

Mayo Clinic Laboratories, Mayo Clinic
Classification: Benign. Last evaluated: 2022-12-16. Review status: criteria provided, single submitter. Criteria: ACMG Guidelines, 2015. Collection method: clinical testing. Allele origin: germline. Observed: 5 variant alleles.

Breakthrough Genomics
Classification: Benign. Review status: criteria provided, single submitter. Criteria: ACMG Guidelines, 2015. Collection method: not provided. Allele origin: germline. Inheritance: Autosomal recessive inheritance. Affected: yes.

PreventionGenetics, part of Exact Sciences
Classification: Benign for MRPS2-related condition. Last evaluated: 2019-06-15. Review status: no assertion criteria provided. Collection method: clinical testing. Allele origin: germline. Not counted in ClinVar's aggregate classification.
Comment: This variant is classified as benign based on ACMG/AMP sequence variant interpretation guidelines (Richards et al. 2015 PMID: 25741868, with internal and published modifications).